The following is an entry in ClinVar:

ClinVar aggregate classification (germline): Uncertain significance (1 of 4 stars; one submission).

Conditions:
Deficiency of adenosine deaminase 2. Also called: Polyarteritis nodosa, childhoood-onset; Adenosine Deaminase 2 Deficiency; VASCULITIS, AUTOINFLAMMATION, IMMUNODEFICIENCY, AND HEMATOLOGIC DEFECTS SYNDROME. Identifiers: Orphanet 404553, MedGen C3887654, MONDO:0014306, OMIM 615688, MONDO:0100317.

Allele frequency attached by ClinVar (database versions not stated): gnomAD exomes below 0.00001.
gnomAD v4.1: 3 of 1,613,100 alleles (0.00019%); highest among the groups gnomAD compares: East Asian, 0.0022%; no homozygotes.

Submission:

Labcorp Genetics (formerly Invitae), Labcorp
Classification: Uncertain significance for Polyarteritis nodosa, childhoood-onset. Last evaluated: 2019-08-21. Review status: criteria provided, single submitter. Criteria: Invitae Variant Classification Sherloc (09022015). Collection method: clinical testing. Allele origin: germline.
Comment: This sequence change replaces valine with methionine at codon 240 of the ADA2 protein (p.Val240Met). The valine residue is highly conserved and there is a small physicochemical difference between valine and methionine. This variant is not present in population databases (ExAC no frequency). This variant has not been reported in the literature in individuals with ADA2-related conditions. Algorithms developed to predict the effect of missense changes on protein structure and function are either unavailable or do not agree on the potential impact of this missense change (SIFT: "Deleterious"; PolyPhen-2: "Probably Damaging"; Align-GVGD: "Class C0"). In summary, the available evidence is currently insufficient to determine the role of this variant in disease. Therefore, it has been classified as a Variant of Uncertain Significance.

NM_001282225.2(ADA2):c.718G>A (p.Val240Met)

Gene: ADA2 (adenosine deaminase 2; minus strand). Cytogenetic location: 22q11.1.
Variant type: single nucleotide variant.
Coding change: c.718G>A on transcript NM_001282225.2 (MANE Select); coding-DNA position 718, G replaced by A.
Protein change: p.Val240Met; replaces valine 240 with methionine.
Molecular consequence: missense variant.
Genome position (GRCh38, 1-based): chr22:17,203,598, C>T on the plus strand (G>A on the coding strand, the complement: ADA2 is on the minus strand). VCF-style: chr22-17203598-C-T. GRCh37 (hg19) VCF-style: chr22-17684488-C-T.
Other names: c.718G>A, p.Val240Met (NM_001282226.2); c.592G>A, p.Val198Met (NM_001282227.2, NM_001282228.2); c.358G>A, p.Val120Met (NM_001282229.2); short protein forms V120M, V240M, V198M.
Identifiers: ClinVar variation 955176 (VCV000955176.1), dbSNP rs1239054063, ClinGen allele CA410227958.